The following is an entry in ClinVar:

NM_000255.4(MMUT):c.189C>A (p.Thr63=)

Gene: MMUT (methylmalonyl-CoA mutase; minus strand). Cytogenetic location: 6p12.3.
Variant type: single nucleotide variant.
Coding change: c.189C>A on transcript NM_000255.4 (MANE Select); coding-DNA position 189, C replaced by A.
Protein change: p.Thr63=; no amino-acid change (threonine 63 retained).
Molecular consequence: synonymous variant.
Genome position (GRCh38, 1-based): chr6:49,459,278, G>T on the plus strand (C>A on the coding strand, the complement: MMUT is on the minus strand). VCF-style: chr6-49459278-G-T. GRCh37 (hg19) VCF-style: chr6-49426991-G-T.
Identifiers: ClinVar variation 382594 (VCV000382594.22), dbSNP rs777167901, ClinGen allele CA3847169.
Genomic context (GRCh38, chr6:49,459,278, plus strand): 5'-TTCAGGTAAGTCCATAGTATCTCTCTTGGAATACAAGGGTTTTATAGAGATCCCTTCCGG[G>T]GTGTGCCATATTAGGTCTTCTGGGTTTTTGCCTTTCAGCTGCTTTTTAGCCAGGGCAGCC-3'
Protein context (NP_000246.2, residues 53-73): GKNPEDLIWH[Thr63=]PEGISIKPLY

ClinVar aggregate classification (germline): Conflicting classifications of pathogenicity. Review status: criteria provided, conflicting classifications (1 of 4 stars). 5 submissions from 5 submitters: Uncertain significance (1); Likely benign (4). Last evaluated 2026-01-02.

Conditions:
Methylmalonic aciduria due to methylmalonyl-CoA mutase deficiency (MAMM). Also called: Methylmalonic aciduria, mut type. Identifiers: Orphanet 27, MedGen C1855114, MONDO:0009612, OMIM 251000.

Allele frequency attached by ClinVar (database versions not stated): gnomAD exomes 0.00015 and 0.00017; ExAC 0.00016; TOPMed 0.00017; gnomAD 0.00013 and 0.00014.
gnomAD v4.1: 237 of 1,613,984 alleles (0.015%); highest among the groups gnomAD compares: Admixed American, 0.06%; 1 homozygote.

Submissions (5):

Labcorp Genetics (formerly Invitae), Labcorp
Classification: Likely benign. Last evaluated: 2026-01-02. Review status: criteria provided, single submitter. Criteria: Invitae Variant Classification Sherloc (09022015). Collection method: clinical testing. Allele origin: germline.

CeGaT Center for Human Genetics Tuebingen
Classification: Likely benign. Last evaluated: 2025-11-01. Review status: criteria provided, single submitter. Criteria: CeGaT Center For Human Genetics Tuebingen Variant Classification Criteria Version 2. Collection method: clinical testing. Allele origin: germline. Affected: yes. Observed: 1 variant allele.
Comment: MMUT: BP4, BP7

Blueprint Genetics
Classification: Likely benign. Last evaluated: 2024-06-28. Review status: criteria provided, single submitter. Criteria: ACMG Guidelines, 2015. Collection method: clinical testing. Allele origin: germline.

Illumina Laboratory Services, Illumina
Classification: Uncertain significance for Methylmalonic aciduria due to methylmalonyl-CoA mutase deficiency. Last evaluated: 2018-01-13. Review status: criteria provided, single submitter. Criteria: ICSL Variant Classification Criteria 13 December 2019. Collection method: clinical testing. Allele origin: germline.

GeneDx
Classification: Likely benign. Last evaluated: 2016-02-12. Review status: criteria provided, single submitter. Criteria: GeneDx Variant Classification (06012015). Collection method: clinical testing. Allele origin: germline. Affected: yes.
Comment: This variant is considered likely benign or benign based on one or more of the following criteria: it is a conservative change, it occurs at a poorly conserved position in the protein, it is predicted to be benign by multiple in silico algorithms, and/or has population frequency not consistent with disease.